The following is an entry in ClinVar:

NM_001110556.2(FLNA):c.3562G>A (p.Ala1188Thr)

Gene: FLNA (filamin A; minus strand). Cytogenetic location: Xq28.
Variant type: single nucleotide variant.
Coding change: c.3562G>A on transcript NM_001110556.2 (MANE Select); coding-DNA position 3562, G replaced by A.
Protein change: p.Ala1188Thr; replaces alanine 1188 with threonine.
Molecular consequence: missense variant.
Genome position (GRCh38, 1-based): chrX:154,360,233, C>T on the plus strand (G>A on the coding strand, the complement: FLNA is on the minus strand). VCF-style: chrX-154360233-C-T. GRCh37 (hg19) VCF-style: chrX-153588601-C-T.
Other names: c.3562G>A, p.Ala1188Thr (NM_001456.4); short protein forms A1188T.
Identifiers: ClinVar variation 11758 (VCV000011758.37), dbSNP rs28935472, ClinGen allele CA341131.

ClinVar aggregate classification (germline): Pathogenic/Likely pathogenic. Review status: criteria provided, multiple submitters, no conflicts (2 of 4 stars). 9 submissions from 9 submitters: Pathogenic (6); Likely pathogenic (1). 2 of the submissions do not count toward it. Last evaluated 2026-01-12.

Conditions:
Frontometaphyseal dysplasia (FMD1). Identifiers: Orphanet 1826, MedGen C0265293, MONDO:0015942.
Oto-palato-digital syndrome, type II (OPD2). Also called: FACIOPALATOOSSEOUS SYNDROME; OPD II SYNDROME; Otopalatodigital Syndrome, Type II; Otopalatodigital Syndrome Type 2 (FLNA-OPD2). Identifiers: Orphanet 669, Orphanet 90652, MedGen C1844696, MONDO:0010571, OMIM 304120.
Melnick-Needles syndrome (MNS). Also called: MELNICK-NEEDLES OSTEODYSPLASTY; OSTEODYSPLASTY OF MELNICK AND NEEDLES; Melnick-Needles Syndrome (FLNA-MNS). Identifiers: Orphanet 2484, MedGen C0025237, MONDO:0010650, OMIM 309350.
Heterotopia, periventricular, X-linked dominant (PVNH1). Also called: PERIVENTRICULAR NODULAR HETEROTOPIA 1; X-linked periventricular heterotopia; PERIVENTRICULAR NODULAR HETEROTOPIA 4; HETEROTOPIA, PERIVENTRICULAR, 1. Identifiers: Orphanet 2149, Orphanet 82004, MedGen C1848213, MONDO:0010233, OMIM 300049.
FLNA-related disorder.
Oto-palato-digital syndrome, type I (OPD1). Also called: Taybi syndrome; OPD I SYNDROME; OPD SYNDROME 1; Otopalatodigital Syndrome, Type I; Otopalatodigital Syndrome Type 1 (FLNA-OPD1). Identifiers: Orphanet 669, Orphanet 90650, MedGen C0265251, MONDO:0010704, OMIM 311300.
Intestinal pseudoobstruction, neuronal, chronic idiopathic, X-linked (CIIPX). Also called: CONGENITAL IDIOPATHIC INTESTINAL PSEUDOOBSTRUCTION; FLNA-Related Periventricular Nodular Heterotopia (FLNA-Related PVNH; Huttenlocher Syndrome); INTESTINAL PSEUDOOBSTRUCTION, NEURONAL, CHRONIC IDIOPATHIC, WITH CENTRAL NERVOUS SYSTEM INVOLVEMENT. Identifiers: Orphanet 2301, MedGen C2746068, MONDO:0010232, OMIM 300048.
FG syndrome 2 (FGS2). Identifiers: MedGen C1845902, MONDO:0010297, OMIM 300321.
Cardiac valvular dysplasia, X-linked (CVDPX). Also called: Congenital valvular dysplasia; VALVULAR HEART DISEASE, CONGENITAL; Isolated X-Linked Cardiac Valvular Dysplasia; MYXOMATOUS VALVULAR DYSTROPHY, X-LINKED; FLNA-Related X-linked Cardiac Valvular Dysplasia. Identifiers: Orphanet 1864, Orphanet 555877, Orphanet 75497, MedGen C0262436, MONDO:0010753, OMIM 314400.
Frontometaphyseal dysplasia 1 (FMD1). Also called: Frontometaphyseal Dysplasia (FLNA-FMD). Identifiers: Orphanet 1826, MedGen C4281559, MONDO:0024550, OMIM 305620.
Terminal osseous dysplasia-pigmentary defects syndrome. Also called: ODPF SYNDROME; OSSEOUS DYSPLASIA, DIGITAL, WITH FACIAL PIGMENTARY DEFECTS AND MULTIPLE FRENULA; ODPD; TERMINAL OSSEOUS DYSPLASIA AND PIGMENTARY DEFECTS; Terminal Osseous Dysplasia (FLNA-TOD). Identifiers: Orphanet 88630, MedGen C1846129, MONDO:0010279, OMIM 300244.

Submissions (9):

Labcorp Genetics (formerly Invitae), Labcorp
Classification: Pathogenic for Oto-palato-digital syndrome, type II; Heterotopia, periventricular, X-linked dominant; Frontometaphyseal dysplasia; Melnick-Needles syndrome. Last evaluated: 2026-01-12. Review status: criteria provided, single submitter. Criteria: Invitae Variant Classification Sherloc (09022015). Collection method: clinical testing. Allele origin: germline.
Comment: This sequence change replaces alanine, which is neutral and non-polar, with threonine, which is neutral and polar, at codon 1188 of the FLNA protein (p.Ala1188Thr). This variant is not present in population databases (gnomAD no frequency). This missense change has been observed in individual(s) with Melnick-Needles syndrome (PMID: 12612583, 29575627). In at least one individual the variant was observed to be de novo. It has also been observed to segregate with disease in related individuals. ClinVar contains an entry for this variant (Variation ID: 11758). Invitae Evidence Modeling of protein sequence and biophysical properties (such as structural, functional, and spatial information, amino acid conservation, physicochemical variation, residue mobility, and thermodynamic stability) indicates that this missense variant is not expected to disrupt FLNA protein function with a negative predictive value of 95%. For these reasons, this variant has been classified as Pathogenic.

CeGaT Center for Human Genetics Tuebingen
Classification: Pathogenic. Last evaluated: 2023-10-01. Review status: criteria provided, single submitter. Criteria: CeGaT Center For Human Genetics Tuebingen Variant Classification Criteria Version 2. Collection method: clinical testing. Allele origin: germline. Affected: yes. Observed: 1 variant allele.
Comment: FLNA: PP4:Strong, PM1, PM2, PS4:Moderate, PP1

GeneDx
Classification: Pathogenic. Last evaluated: 2023-09-13. Review status: criteria provided, single submitter. Criteria: GeneDx Variant Classification Process June 2021. Collection method: clinical testing. Allele origin: germline. Affected: yes.
Comment: Not observed in large population cohorts (gnomAD); In silico analysis, which includes protein predictors and evolutionary conservation, supports a deleterious effect; This variant is associated with the following publications: (PMID: 21228480, 27193221, 29575627, 12612583)

Laboratory of Medical Genetics, National & Kapodistrian University of Athens
Classification: Pathogenic for Melnick-Needles syndrome. Last evaluated: 2021-10-05. Review status: criteria provided, single submitter. Criteria: ACMG Guidelines, 2015. Collection method: clinical testing. Allele origin: unknown. Affected: yes.
Comment: PM1, PM2, PP3, PP5

Blueprint Genetics
Classification: Pathogenic for FLNA-related disorders. Last evaluated: 2019-05-18. Review status: criteria provided, single submitter. Criteria: ACMG Guidelines, 2015. Collection method: clinical testing. Allele origin: germline. Affected: yes. Observed: 1 variant allele.

Juno Genomics, Hangzhou Juno Genomics, Inc
Classification: Pathogenic for Terminal osseous dysplasia-pigmentary defects syndrome; FG syndrome 2; Cardiac valvular dysplasia, X-linked; Intestinal pseudoobstruction, neuronal, chronic idiopathic, X-linked; Frontometaphyseal dysplasia 1; Heterotopia, periventricular, X-linked dominant; Melnick-Needles syndrome; Oto-palato-digital syndrome, type I; Oto-palato-digital syndrome, type II. Review status: criteria provided, single submitter. Criteria: ACMG Guidelines, 2015. Collection method: clinical testing. Allele origin: germline.
Comment: Absent from controls (or at extremely low frequency if recessive) in Genome Aggregation Database.;Multiple lines of computational evidence support a deleterious effect on the gene or gene product.;Located in a mutational hot spot and/or critical and well-established functional domain without benign variation.;The prevalence of the variant in affected individuals is significantly increased compared to the prevalence in controls.;Assumed de novo, but without confirmation of paternity and maternity.;Co-segregation with disease in multiple affected family members.

Medical Genetics, Christian Medical College
Classification: Likely pathogenic for Melnick-Needles syndrome. Review status: criteria provided, single submitter. Criteria: ACMG Guidelines, 2015. Collection method: clinical testing. Allele origin: germline. Inheritance: X-linked dominant inheritance. Affected: yes.
Comment: The observed variant has previously been reported in patients affected with Melnick-Needles syndrome and lies in the "Filamin/ABP280 repeat" domain of the FLNA protein (PF00630). The observed variation has been classified as pathogenic by the ClinVar database [VCV000011758.10].

OMIM
Classification: Pathogenic for MELNICK-NEEDLES SYNDROME. Last evaluated: 2018-01-04. Review status: no assertion criteria provided. Collection method: literature only. Allele origin: germline. Not counted in ClinVar's aggregate classification.

GeneReviews
No classification provided. Condition: Melnick-Needles syndrome. Review status: no classification provided. Collection method: literature only. Allele origin: unknown. Not counted in ClinVar's aggregate classification.

Literature cited by the submitters: PubMed 12612583 (cited by Labcorp Genetics (formerly Invitae), Labcorp and GeneReviews); PubMed 29575627 (cited by Labcorp Genetics (formerly Invitae), Labcorp and Medical Genetics, Christian Medical College); PubMed 15917206 (cited by OMIM); PubMed 20301567 (cited by GeneReviews); NCBI Bookshelf NBK1393 (cited by GeneReviews).